The following is an entry in ClinVar:

ClinVar aggregate classification (germline): Benign (1 of 4 stars; one submission).

Conditions:
Pheochromocytoma. Also called: MAX-Related Hereditary Paraganglioma-Pheochromocytoma Syndrome. Identifiers: Orphanet 29072, MedGen C0031511, MONDO:0008233, OMIM 171300, HP:0002666.

Allele frequency attached by ClinVar (database versions not stated): gnomAD exomes 0.00032; gnomAD 0.00161 and 0.00173; TOPMed 0.00173; 1000 Genomes Project 0.00280; 1000 Genomes Project 30x 0.00312.
gnomAD v4.1: 258 of 197,248 alleles (0.13%); highest among the groups gnomAD compares: African/African-American, 0.55%; 1 homozygote.

Submission:

Illumina Laboratory Services, Illumina
Classification: Benign for Pheochromocytoma. Last evaluated: 2018-01-13. Review status: criteria provided, single submitter. Criteria: ICSL Variant Classification Criteria 13 December 2019. Collection method: clinical testing. Allele origin: germline.
Comment: This variant was observed in the ICSL laboratory as part of a predisposition screen in an ostensibly healthy population. It had not been previously curated by ICSL or reported in the Human Gene Mutation Database (HGMD: prior to June 1st, 2018), and was therefore a candidate for classification through an automated scoring system. Utilizing variant allele frequency, disease prevalence and penetrance estimates, and inheritance mode, an automated score was calculated to assess if this variant is too frequent to cause the disease. Based on the score and internal cut-off values, a variant classified as benign is not then subjected to further curation. The score for this variant resulted in a classification of benign for this disease.

NM_017849.4(TMEM127):c.*2498C>T

Gene: TMEM127 (transmembrane protein 127; minus strand). Cytogenetic location: 2q11.2.
Variant type: single nucleotide variant.
Coding change: c.*2498C>T on transcript NM_017849.4 (MANE Select); 2498 bases downstream of the stop codon, C replaced by T.
Molecular consequence: 3 prime UTR variant.
Genome position (GRCh38, 1-based): chr2:96,251,310, G>A on the plus strand (C>T on the coding strand, the complement: TMEM127 is on the minus strand). VCF-style: chr2-96251310-G-A. GRCh37 (hg19) VCF-style: chr2-96917048-G-A.
Other names: c.*2498C>T (NM_001193304.3).
Identifiers: ClinVar variation 337461 (VCV000337461.5), dbSNP rs191565203, ClinGen allele CA10614156.